The following is an entry in ClinVar:

NC_000009.11:g.(?_32399559)_(33541225_?)dup

Genes: APTX (aprataxin; minus strand), ACO1 (aconitase 1; plus strand), ANKRD18B (ankyrin repeat domain 18B; plus strand), AQP3 (aquaporin 3 (Gill blood group); minus strand), AQP7 (aquaporin 7; minus strand) and 13 more. Cytogenetic location: 9p21.1-13.3.
Variant type: Duplication.
Identifiers: ClinVar variation 1024707 (VCV001024707.4).

ClinVar aggregate classification (germline): Uncertain significance (1 of 4 stars; one submission).

Submission:

Labcorp Genetics (formerly Invitae), Labcorp
Classification: Uncertain significance. Last evaluated: 2020-06-30. Review status: criteria provided, single submitter. Criteria: Invitae Variant Classification Sherloc (09022015). Collection method: clinical testing. Allele origin: germline.
Comment: This variant results in a copy number gain of the genomic region encompassing the full coding sequence of the TOPORS gene. The boundaries of this event are unknown as they extend beyond the assayed region for this gene and therefore may encompass additional genes. As the precise location of this event is unknown, it may be in tandem or it may be located elsewhere in the genome. This variant has not been reported in the literature in individuals with TOPORS-related conditions. In summary, the available evidence is currently insufficient to determine the role of this variant in disease. Therefore, it has been classified as a Variant of Uncertain Significance.